The following is an entry in ClinVar:

ClinVar aggregate classification (germline): Uncertain significance. Review status: criteria provided, multiple submitters, no conflicts (2 of 4 stars). 6 submissions from 6 submitters: Uncertain significance (6). Last evaluated 2026-05-13.

Conditions:
VIPAS39-related disorder. Also called: VIPAS39-related condition.
Inborn genetic diseases. Identifiers: MedGen C0950123, MeSH D030342.
Arthrogryposis, renal dysfunction, and cholestasis 2 (ARCS2). Identifiers: Orphanet 2697, MedGen C3150672, MONDO:0013255, OMIM 613404.

Allele frequency attached by ClinVar (database versions not stated): ExAC 0.00011; gnomAD exomes 0.00015; gnomAD 0.00019 and 0.00020; TOPMed 0.00029; ESP Exome Variant Server 0.00054.
gnomAD v4.1: 722 of 1,613,530 alleles (0.045%); highest among the groups gnomAD compares: Non-Finnish European, 0.058%; no homozygotes.

Submissions (6):

PreventionGenetics, part of Exact Sciences
Classification: Uncertain significance for VIPAS39-related condition. Last evaluated: 2026-05-13. Review status: criteria provided, single submitter. Criteria: ACMG Guidelines, 2015. Collection method: clinical testing. Allele origin: germline.
Comment: The VIPAS39 c.1363C>T variant is predicted to result in the amino acid substitution p.Arg455Trp. To our knowledge, this variant has not been reported in the literature. This variant is reported in 0.028% of alleles in individuals of European (Non-Finnish) descent in gnomAD. At this time, the clinical significance of this variant is uncertain due to the absence of conclusive functional and genetic evidence.

Labcorp Genetics (formerly Invitae), Labcorp
Classification: Uncertain significance. Last evaluated: 2024-08-29. Review status: criteria provided, single submitter. Criteria: Invitae Variant Classification Sherloc (09022015). Collection method: clinical testing. Allele origin: germline.
Comment: This sequence change replaces arginine, which is basic and polar, with tryptophan, which is neutral and slightly polar, at codon 455 of the VIPAS39 protein (p.Arg455Trp). This variant is present in population databases (rs149168488, gnomAD 0.03%). This variant has not been reported in the literature in individuals affected with VIPAS39-related conditions. ClinVar contains an entry for this variant (Variation ID: 497773). Invitae Evidence Modeling of protein sequence and biophysical properties (such as structural, functional, and spatial information, amino acid conservation, physicochemical variation, residue mobility, and thermodynamic stability) indicates that this missense variant is not expected to disrupt VIPAS39 protein function with a negative predictive value of 80%. In summary, the available evidence is currently insufficient to determine the role of this variant in disease. Therefore, it has been classified as a Variant of Uncertain Significance.

Fulgent Genetics
Classification: Uncertain significance for Arthrogryposis, renal dysfunction, and cholestasis 2. Last evaluated: 2024-06-21. Review status: criteria provided, single submitter. Criteria: ACMG Guidelines, 2015. Collection method: clinical testing. Allele origin: germline.

Women's Health and Genetics/Laboratory Corporation of America, LabCorp
Classification: Uncertain significance. Last evaluated: 2023-10-26. Review status: criteria provided, single submitter. Criteria: LabCorp Variant Classification Summary - May 2015. Collection method: clinical testing. Allele origin: germline.
Comment: Variant summary: VIPAS39 c.1363C>T (p.Arg455Trp) results in a non-conservative amino acid change in the encoded protein sequence. Four of five in-silico tools predict a damaging effect of the variant on protein function. The variant allele was found at a frequency of 0.00015 in 251090 control chromosomes (gnomAD). To our knowledge, no occurrence of c.1363C>T in individuals affected with Arthrogryposis, Renal Dysfunction, And Cholestasis 2 and no experimental evidence demonstrating its impact on protein function have been reported. Three submitters have cited clinical-significance assessments for this variant to ClinVar after 2014. All submitters classified the variant as uncertain significance. Based on the evidence outlined above, the variant was classified as uncertain significance.

Ambry Genetics
Classification: Uncertain significance for Inborn genetic diseases. Last evaluated: 2021-08-12. Review status: criteria provided, single submitter. Criteria: Ambry Variant Classification Scheme 2023. Collection method: clinical testing. Allele origin: germline.

Eurofins Ntd Llc (ga)
Classification: Uncertain significance. Last evaluated: 2018-01-30. Review status: criteria provided, single submitter. Criteria: EGL Classification Definitions 2015. Collection method: clinical testing. Allele origin: germline. Observed: 8 variant alleles, 8 heterozygotes.

NM_001193315.2(VIPAS39):c.1363C>T (p.Arg455Trp)

Gene: VIPAS39 (VPS33B interacting protein, apical-basolateral polarity regulator, spe-39 homolog; minus strand). Cytogenetic location: 14q24.3.
Variant type: single nucleotide variant.
Coding change: c.1363C>T on transcript NM_001193315.2 (MANE Select); coding-DNA position 1363, C replaced by T.
Protein change: p.Arg455Trp; replaces arginine 455 with tryptophan.
Molecular consequence: missense variant.
Genome position (GRCh38, 1-based): chr14:77,428,468, G>A on the plus strand (C>T on the coding strand, the complement: VIPAS39 is on the minus strand). VCF-style: chr14-77428468-G-A. GRCh37 (hg19) VCF-style: chr14-77894811-G-A.
Other names: c.1363C>T (NM_022067.3, NM_001193314.1); c.1363C>T, p.Arg455Trp (NM_001193314.2, NM_001193317.2, NM_022067.4); c.1216C>T, p.Arg406Trp (NM_001193316.2); short protein forms R455W, R406W.
Identifiers: ClinVar variation 497773 (VCV000497773.11), dbSNP rs149168488, ClinGen allele CA7287727.